The following is an entry in ClinVar:

ClinVar aggregate classification (germline): Uncertain significance (1 of 4 stars; one submission).

gnomAD v4.1: 1 of 1,592,508 alleles (0.000063%); highest among the groups gnomAD compares: Non-Finnish European, 0.000086%; no homozygotes.

Submission:

CeGaT Center for Human Genetics Tuebingen
Classification: Uncertain significance. Last evaluated: 2026-01-01. Review status: criteria provided, single submitter. Criteria: CeGaT Center For Human Genetics Tuebingen Variant Classification Criteria Version 2. Collection method: clinical testing. Allele origin: germline. Affected: yes. Observed: 2 variant alleles.
Comment: SYNE1: PM2, BP4

NM_182961.4(SYNE1):c.779-7T>G

Gene: SYNE1 (spectrin repeat containing nuclear envelope protein 1; minus strand). Cytogenetic location: 6q25.2.
Variant type: single nucleotide variant.
Coding change: c.779-7T>G on transcript NM_182961.4 (MANE Select); 7 bases into the intron before coding-DNA position 779, T replaced by G.
Molecular consequence: intron variant.
Genome position (GRCh38, 1-based): chr6:152,502,749, A>C on the plus strand (T>G on the coding strand, the complement: SYNE1 is on the minus strand). VCF-style: chr6-152502749-A-C. GRCh37 (hg19) VCF-style: chr6-152823884-A-C.
Other names: c.800-7T>G (NM_033071.5).
Identifiers: ClinVar variation 4681373 (VCV004681373.5).